The following is an entry in ClinVar:

ClinVar aggregate classification (germline): Uncertain significance. Review status: criteria provided, multiple submitters, no conflicts (2 of 4 stars). 2 submissions from 2 submitters: Uncertain significance (2). Last evaluated 2025-06-23.

Conditions:
Liddle syndrome 1 (LIDLS1). Also called: PSEUDOALDOSTERONISM. Identifiers: Orphanet 526, MedGen CN031472, MONDO:0020607, OMIM 177200.
Bronchiectasis with or without elevated sweat chloride 1 (BESC1). Also called: Cystic Fibrosis-Like Syndrome. Identifiers: Orphanet 60033, MedGen C2749757, MONDO:0008887, OMIM 211400.
Pseudohypoaldosteronism, type IB2, autosomal recessive (PHA1B2). Identifiers: MedGen C5774255, MONDO:0859317, OMIM 620125.

Allele frequency attached by ClinVar (database versions not stated): gnomAD exomes below 0.00001; gnomAD 0.00001.
gnomAD v4.1: 3 of 1,612,166 alleles (0.00019%); highest among the groups gnomAD compares: African/African-American, 0.004%; no homozygotes.

Submissions (2):

Labcorp Genetics (formerly Invitae), Labcorp
Classification: Uncertain significance. Last evaluated: 2025-06-23. Review status: criteria provided, single submitter. Criteria: Invitae Variant Classification Sherloc (09022015). Collection method: clinical testing. Allele origin: germline.
Comment: This sequence change replaces proline, which is neutral and non-polar, with alanine, which is neutral and non-polar, at codon 611 of the SCNN1B protein (p.Pro611Ala). This variant is not present in population databases (gnomAD no frequency). This variant has not been reported in the literature in individuals affected with SCNN1B-related conditions. ClinVar contains an entry for this variant (Variation ID: 2990147). An algorithm developed to predict the effect of missense changes on protein structure and function (PolyPhen-2) suggests that this variant is likely to be tolerated. In summary, the available evidence is currently insufficient to determine the role of this variant in disease. Therefore, it has been classified as a Variant of Uncertain Significance.

Fulgent Genetics
Classification: Uncertain significance for Liddle syndrome 1; Bronchiectasis with or without elevated sweat chloride 1; Pseudohypoaldosteronism, type IB2, autosomal recessive. Last evaluated: 2024-01-20. Review status: criteria provided, single submitter. Criteria: ACMG Guidelines, 2015. Collection method: clinical testing. Allele origin: germline.

NM_000336.3(SCNN1B):c.1831C>G (p.Pro611Ala)

Gene: SCNN1B (sodium channel epithelial 1 subunit beta; plus strand). Cytogenetic location: 16p12.2.
Variant type: single nucleotide variant.
Coding change: c.1831C>G on transcript NM_000336.3 (MANE Select); coding-DNA position 1831, C replaced by G.
Protein change: p.Pro611Ala; replaces proline 611 with alanine.
Molecular consequence: missense variant.
Genome position (GRCh38, 1-based): chr16:23,380,709, C>G. VCF-style: chr16-23380709-C-G. GRCh37 (hg19) VCF-style: chr16-23392030-C-G.
Other names: c.1723C>G, p.Pro575Ala (NM_001410900.1); short protein forms P575A, P611A.
Identifiers: ClinVar variation 2990147 (VCV002990147.4), dbSNP rs1042193654, ClinGen allele CA279491596.